The following is an entry in ClinVar:

NM_015972.4(POLR1D):c.104C>T (p.Thr35Ile)

Genes: POLR1D (RNA polymerase I and III subunit D; plus strand), LOC147380392 (uncharacterized LOC147380392; plus strand). Cytogenetic location: 13q12.2.
Variant type: single nucleotide variant.
Coding change: c.104C>T on transcript NM_015972.4 (MANE Select); coding-DNA position 104, C replaced by T.
Protein change: p.Thr35Ile; replaces threonine 35 with isoleucine.
Molecular consequence: missense variant. On other transcripts: intron variant (2).
Genome position (GRCh38, 1-based): chr13:27,622,952, C>T. VCF-style: chr13-27622952-C-T. GRCh37 (hg19) VCF-style: chr13-28197089-C-T.
Other names: c.104C>T, p.Thr35Ile (NM_001374407.1); c.-59+1812C>T (NM_001206559.2); c.26+943C>T (NM_152705.3); short protein forms T35I.
Identifiers: ClinVar variation 2702667 (VCV002702667.3), dbSNP rs1053573832, ClinGen allele CA387634957.

ClinVar aggregate classification (germline): Uncertain significance (1 of 4 stars; one submission).

gnomAD v4.1: 1 of 1,613,532 alleles (0.000062%); highest among the groups gnomAD compares: Non-Finnish European, 0.000085%; no homozygotes.

Submission:

Labcorp Genetics (formerly Invitae), Labcorp
Classification: Uncertain significance. Last evaluated: 2023-12-13. Review status: criteria provided, single submitter. Criteria: Invitae Variant Classification Sherloc (09022015). Collection method: clinical testing. Allele origin: germline.
Comment: This sequence change replaces threonine, which is neutral and polar, with isoleucine, which is neutral and non-polar, at codon 35 of the POLR1D protein (p.Thr35Ile). This variant is not present in population databases (gnomAD no frequency). This variant has not been reported in the literature in individuals affected with POLR1D-related conditions. An algorithm developed to predict the effect of missense changes on protein structure and function (PolyPhen-2) suggests that this variant is likely to be tolerated. In summary, the available evidence is currently insufficient to determine the role of this variant in disease. Therefore, it has been classified as a Variant of Uncertain Significance.